The following is an entry in ClinVar:

NM_020163.3(SEMA3G):c.1923G>C (p.Leu641=)

Gene: SEMA3G (semaphorin 3G; minus strand). Cytogenetic location: 3p21.1.
Variant type: single nucleotide variant.
Coding change: c.1923G>C on transcript NM_020163.3 (MANE Select); coding-DNA position 1923, G replaced by C.
Protein change: p.Leu641=; no amino-acid change (leucine 641 retained).
Molecular consequence: synonymous variant.
Genome position (GRCh38, 1-based): chr3:52,436,029, C>G on the plus strand (G>C on the coding strand, the complement: SEMA3G is on the minus strand). VCF-style: chr3-52436029-C-G. GRCh37 (hg19) VCF-style: chr3-52470045-C-G.
Identifiers: ClinVar variation 3356422 (VCV003356422.1).

ClinVar aggregate classification (germline): Likely benign (0 of 4 stars; one submission).

Conditions:
SEMA3G-related disorder. Also called: SEMA3G-related condition.

Submission:

PreventionGenetics, part of Exact Sciences
Classification: Likely benign for SEMA3G-related condition. Last evaluated: 2023-01-12. Review status: no assertion criteria provided. Collection method: clinical testing. Allele origin: germline.
Comment: This variant is classified as likely benign based on ACMG/AMP sequence variant interpretation guidelines (Richards et al. 2015 PMID: 25741868, with internal and published modifications).